The following is an entry in ClinVar:

ClinVar aggregate classification (germline): Conflicting classifications of pathogenicity. Review status: criteria provided, conflicting classifications (1 of 4 stars). 2 submissions from 2 submitters: Uncertain significance (1); Likely benign (1). Last evaluated 2024-11-27.

Allele frequency attached by ClinVar (database versions not stated): gnomAD exomes below 0.00001; ExAC 0.00001; gnomAD 0.00001; TOPMed 0.00001.
gnomAD v4.1: 8 of 1,596,808 alleles (0.0005%); highest among the groups gnomAD compares: Non-Finnish European, 0.00069%; no homozygotes.

Submissions (2):

Blueprint Genetics
Classification: Likely benign. Last evaluated: 2024-11-27. Review status: criteria provided, single submitter. Criteria: ACMG Guidelines, 2015. Collection method: clinical testing. Allele origin: germline.

Labcorp Genetics (formerly Invitae), Labcorp
Classification: Uncertain significance. Last evaluated: 2023-10-14. Review status: criteria provided, single submitter. Criteria: Invitae Variant Classification Sherloc (09022015). Collection method: clinical testing. Allele origin: germline.
Comment: This sequence change falls in intron 7 of the GRHL2 gene. It does not directly change the encoded amino acid sequence of the GRHL2 protein. It affects a nucleotide within the consensus splice site. This variant is present in population databases (rs751418244, gnomAD 0.0009%). This variant has not been reported in the literature in individuals affected with GRHL2-related conditions. Variants that disrupt the consensus splice site are a relatively common cause of aberrant splicing (PMID: 17576681, 9536098). Algorithms developed to predict the effect of sequence changes on RNA splicing suggest that this variant is not likely to affect RNA splicing. In summary, the available evidence is currently insufficient to determine the role of this variant in disease. Therefore, it has been classified as a Variant of Uncertain Significance.

Literature cited by the submitters: PubMed 17576681 (cited by Labcorp Genetics (formerly Invitae), Labcorp); PubMed 9536098 (cited by Labcorp Genetics (formerly Invitae), Labcorp).

NM_024915.4(GRHL2):c.1003+3A>G

Gene: GRHL2 (grainyhead like transcription factor 2; plus strand). Cytogenetic location: 8q22.3.
Variant type: single nucleotide variant.
Coding change: c.1003+3A>G on transcript NM_024915.4 (MANE Select); 3 bases into the intron after coding-DNA position 1003, A replaced by G.
Molecular consequence: intron variant.
Genome position (GRCh38, 1-based): chr8:101,577,522, A>G. VCF-style: chr8-101577522-A-G. GRCh37 (hg19) VCF-style: chr8-102589750-A-G.
Other names: c.955+3A>G (NM_001330593.2).
Identifiers: ClinVar variation 2855603 (VCV002855603.4), dbSNP rs751418244, ClinGen allele CA4830439.
Genomic context (GRCh38, chr8:101,577,522, plus strand): 5'-TACTGGAAATACTGGCACTCTCGGCAGCATACGGCGAAGCAGAGGGTCCTTGACATTGGT[A>G]AGTTGACCTTGACTTCCCTGTATAGTCCTCGATAAACTGACATGTTGTCTCAATGCCAAG-3'